The following is an entry in ClinVar:

ClinVar aggregate classification (germline): Uncertain significance (1 of 4 stars; one submission).

Allele frequency attached by ClinVar (database versions not stated): gnomAD 0.00003; gnomAD exomes 0.00004; TOPMed 0.00004; ExAC 0.00006; ESP Exome Variant Server 0.00031.
gnomAD v4.1: 68 of 1,613,574 alleles (0.0042%); highest among the groups gnomAD compares: Non-Finnish European, 0.0058%; no homozygotes.

Submission:

Labcorp Genetics (formerly Invitae), Labcorp
Classification: Uncertain significance. Last evaluated: 2022-09-28. Review status: criteria provided, single submitter. Criteria: Invitae Variant Classification Sherloc (09022015). Collection method: clinical testing. Allele origin: germline.
Comment: This variant is present in population databases (rs145352026, gnomAD 0.01%). This missense change has been observed in individual(s) with dyslipidemia (PMID: 32041611). Advanced modeling of protein sequence and biophysical properties (such as structural, functional, and spatial information, amino acid conservation, physicochemical variation, residue mobility, and thermodynamic stability) performed at Invitae indicates that this missense variant is expected to disrupt GCKR protein function. In summary, the available evidence is currently insufficient to determine the role of this variant in disease. Therefore, it has been classified as a Variant of Uncertain Significance. This sequence change replaces leucine, which is neutral and non-polar, with tryptophan, which is neutral and slightly polar, at codon 296 of the GCKR protein (p.Leu296Trp).

Literature cited by the submitters: PubMed 32041611.

NM_001486.4(GCKR):c.887T>G (p.Leu296Trp)

Gene: GCKR (glucokinase regulator; plus strand). Cytogenetic location: 2p23.3.
Variant type: single nucleotide variant.
Coding change: c.887T>G on transcript NM_001486.4 (MANE Select); coding-DNA position 887, T replaced by G.
Protein change: p.Leu296Trp; replaces leucine 296 with tryptophan.
Molecular consequence: missense variant.
Genome position (GRCh38, 1-based): chr2:27,506,498, T>G. VCF-style: chr2-27506498-T-G. GRCh37 (hg19) VCF-style: chr2-27729365-T-G.
Other names: short protein forms L296W.
Identifiers: ClinVar variation 2421875 (VCV002421875.6), dbSNP rs145352026, ClinGen allele CA1581766.